The following is an entry in ClinVar:

ClinVar aggregate classification (germline): Likely pathogenic (1 of 4 stars; one submission).

Submission:

Labcorp Genetics (formerly Invitae), Labcorp
Classification: Likely pathogenic. Last evaluated: 2025-04-27. Review status: criteria provided, single submitter. Criteria: Invitae Variant Classification Sherloc (09022015). Collection method: clinical testing. Allele origin: germline.
Comment: This variant results in the deletion of part of exon 7 (c.748_749+1delinsCTC) of the ABHD12 gene. It is expected to disrupt RNA splicing. Variants that disrupt the donor or acceptor splice site typically lead to a loss of protein function (PMID: 16199547), and loss-of-function variants in ABHD12 are known to be pathogenic (PMID: 20797687). This variant is not present in population databases (gnomAD no frequency). This variant has not been reported in the literature in individuals affected with ABHD12-related conditions. In summary, the currently available evidence indicates that the variant is pathogenic, but additional data are needed to prove that conclusively. Therefore, this variant has been classified as Likely Pathogenic.

Literature cited by the submitters: PubMed 16199547; PubMed 20797687.

NM_001042472.3(ABHD12):c.748_749+1delinsCTC

Genes: ABHD12 (abhydrolase domain containing 12, lysophospholipase; minus strand), LOC126863008 (CDK7 strongly-dependent group 2 enhancer GRCh37_chr20:25289826-25291025; plus strand). Cytogenetic location: 20p11.21.
Variant type: Indel.
Coding change: c.748_749+1delinsCTC on transcript NM_001042472.3 (MANE Select); coding-DNA position 748 through the canonical splice donor site of the intron after coding-DNA position 749, GGG replaced by CTC.
Molecular consequence: splice donor variant.
Genome position (GRCh38, 1-based): chr20:25,309,445-25,309,447, CCC replaced by GAG on the plus strand (GGG replaced by CTC on the coding strand, the reverse complement: ABHD12 is on the minus strand). VCF-style: chr20-25309445-CCC-GAG. GRCh37 (hg19) VCF-style: chr20-25290081-CCC-GAG.
Other names: c.748_749+1delinsCTC (NM_015600.5).
Identifiers: ClinVar variation 4718435 (VCV004718435.1).
Genomic context (GRCh38, chr20:25,309,445, plus strand): 5'-CATGGGAGTCACCAGGAATACTGACTCCCACTAAAGGCTGCCTCCTGCTGGGGTCCCTTA[CCC>GAG]AGTGCCCAGAGAGTGGCCCCAGATGTACACGGGGTTGTCACCACTTCTTGCTTTGATCCA-3'